The following is an entry in ClinVar:

ClinVar aggregate classification (germline): Uncertain significance (1 of 4 stars; one submission).

Conditions:
Severe combined immunodeficiency due to DNA-PKcs deficiency. Also called: IMMUNODEFICIENCY 26 WITH NEUROLOGIC ABNORMALITIES; Immunodeficiency 26 with or without neurologic abnormalities. Identifiers: Orphanet 317425, MedGen C4014833, MONDO:0014423, OMIM 615966.

Allele frequency attached by ClinVar (database versions not stated): gnomAD exomes below 0.00001; gnomAD 0.00001; TOPMed 0.00002.
gnomAD v4.1: 9 of 1,613,676 alleles (0.00056%); highest among the groups gnomAD compares: African/African-American, 0.0013%; no homozygotes.

Submission:

Labcorp Genetics (formerly Invitae), Labcorp
Classification: Uncertain significance for Severe combined immunodeficiency due to DNA-PKcs deficiency. Last evaluated: 2024-11-19. Review status: criteria provided, single submitter. Criteria: Invitae Variant Classification Sherloc (09022015). Collection method: clinical testing. Allele origin: germline.
Comment: This sequence change replaces glutamic acid, which is acidic and polar, with lysine, which is basic and polar, at codon 2564 of the PRKDC protein (p.Glu2564Lys). This variant is present in population databases (no rsID available, gnomAD 0.004%). This variant has not been reported in the literature in individuals affected with PRKDC-related conditions. ClinVar contains an entry for this variant (Variation ID: 1438170). Invitae Evidence Modeling of protein sequence and biophysical properties (such as structural, functional, and spatial information, amino acid conservation, physicochemical variation, residue mobility, and thermodynamic stability) indicates that this missense variant is expected to disrupt PRKDC protein function with a positive predictive value of 80%. In summary, the available evidence is currently insufficient to determine the role of this variant in disease. Therefore, it has been classified as a Variant of Uncertain Significance.

NM_006904.7(PRKDC):c.7690G>A (p.Glu2564Lys)

Gene: PRKDC (protein kinase, DNA-activated, catalytic subunit; minus strand). Cytogenetic location: 8q11.21.
Variant type: single nucleotide variant.
Coding change: c.7690G>A on transcript NM_006904.7 (MANE Select); coding-DNA position 7690, G replaced by A.
Protein change: p.Glu2564Lys; replaces glutamic acid 2564 with lysine.
Molecular consequence: missense variant.
Genome position (GRCh38, 1-based): chr8:47,837,283, C>T on the plus strand (G>A on the coding strand, the complement: PRKDC is on the minus strand). VCF-style: chr8-47837283-C-T. GRCh37 (hg19) VCF-style: chr8-48749844-C-T.
Other names: c.7690G>A, p.Glu2564Lys (NM_001081640.2); short protein forms E2564K.
Identifiers: ClinVar variation 1438170 (VCV001438170.4), dbSNP rs936824267, ClinGen allele CA176156361.
Genomic context (GRCh38, chr8:47,837,283, plus strand): 5'-ATTCTGACAGAGGATGCTCGAACATGGGGTTTGGATAATCTGGGCTCATGCTGGTCATTT[C>T]GAGCAGAAAATTTGTTGCTAAACTTAAAAAGTGCACTTCTATCTTAGGAGAATATAAGGA-3'
Protein context (NP_008835.5, residues 2554-2574): FLSLATNFLL[Glu2564Lys]MTSMSPDYPN